The following is an entry in ClinVar:

NM_198578.4(LRRK2):c.6721A>T (p.Met2241Leu)

Gene: LRRK2 (leucine rich repeat kinase 2; plus strand). Cytogenetic location: 12q12.
Variant type: single nucleotide variant.
Coding change: c.6721A>T on transcript NM_198578.4 (MANE Select); coding-DNA position 6721, A replaced by T.
Protein change: p.Met2241Leu; replaces methionine 2241 with leucine.
Molecular consequence: missense variant.
Genome position (GRCh38, 1-based): chr12:40,354,443, A>T. VCF-style: chr12-40354443-A-T. GRCh37 (hg19) VCF-style: chr12-40748245-A-T.
Other names: short protein forms M2241L.
Identifiers: ClinVar variation 3540642 (VCV003540642.1).

ClinVar aggregate classification (germline): Uncertain significance (1 of 4 stars; one submission).

Conditions:
Inborn genetic diseases. Identifiers: MedGen C0950123, MeSH D030342.

Submission:

Ambry Genetics
Classification: Uncertain significance for Inborn genetic diseases. Last evaluated: 2024-08-26. Review status: criteria provided, single submitter. Criteria: Ambry Variant Classification Scheme 2023. Collection method: clinical testing. Allele origin: germline.
Comment: The p.M2241L variant (also known as c.6721A>T), located in coding exon 45 of the LRRK2 gene, results from an A to T substitution at nucleotide position 6721. The methionine at codon 2241 is replaced by leucine, an amino acid with highly similar properties. This amino acid position is conserved. In addition, this alteration is predicted to be tolerated by in silico analysis. Based on the available evidence, the clinical significance of this variant remains unclear.